The following is an entry in ClinVar:

ClinVar aggregate classification (germline): Conflicting classifications of pathogenicity. Review status: criteria provided, conflicting classifications (1 of 4 stars). 5 submissions from 5 submitters: Uncertain significance (4); Likely benign (1). Last evaluated 2025-06-13.

Conditions:
Usher syndrome type 1G. Also called: USHER SYNDROME, TYPE IG, MILD. Identifiers: Orphanet 231169, Orphanet 886, MedGen C1847089, MONDO:0011748, OMIM 606943.
Inborn genetic diseases. Identifiers: MedGen C0950123, MeSH D030342.

Allele frequency attached by ClinVar (database versions not stated): ExAC 0.00010; gnomAD exomes 0.00013; TOPMed 0.00018; 1000 Genomes Project 0.00040; 1000 Genomes Project 30x 0.00047.

Submissions (5):

Ambry Genetics
Classification: Uncertain significance for Inborn genetic diseases. Last evaluated: 2025-06-13. Review status: criteria provided, single submitter. Criteria: Ambry Variant Classification Scheme 2023. Collection method: clinical testing. Allele origin: germline.

Blueprint Genetics
Classification: Likely benign. Last evaluated: 2024-11-06. Review status: criteria provided, single submitter. Criteria: ACMG Guidelines, 2015. Collection method: clinical testing. Allele origin: germline.

GeneDx
Classification: Uncertain significance. Last evaluated: 2024-09-30. Review status: criteria provided, single submitter. Criteria: GeneDx Variant Classification Process June 2021. Collection method: clinical testing. Allele origin: germline. Affected: yes.
Comment: Reported in a patient with blindness in published literature; however, clinical data is limited (PMID: 32483926); In silico analysis indicates that this missense variant does not alter protein structure/function; This variant is associated with the following publications: (PMID: 32483926)

Labcorp Genetics (formerly Invitae), Labcorp
Classification: Uncertain significance. Last evaluated: 2022-10-18. Review status: criteria provided, single submitter. Criteria: Invitae Variant Classification Sherloc (09022015). Collection method: clinical testing. Allele origin: germline.
Comment: This sequence change replaces glycine, which is neutral and non-polar, with alanine, which is neutral and non-polar, at codon 212 of the USH1G protein (p.Gly212Ala). This variant is present in population databases (rs200197601, gnomAD 0.05%). This variant has not been reported in the literature in individuals affected with USH1G-related conditions. ClinVar contains an entry for this variant (Variation ID: 850726). Advanced modeling of protein sequence and biophysical properties (such as structural, functional, and spatial information, amino acid conservation, physicochemical variation, residue mobility, and thermodynamic stability) has been performed at Invitae for this missense variant, however the output from this modeling did not meet the statistical confidence thresholds required to predict the impact of this variant on USH1G protein function. In summary, the available evidence is currently insufficient to determine the role of this variant in disease. Therefore, it has been classified as a Variant of Uncertain Significance.

Illumina Laboratory Services, Illumina
Classification: Uncertain significance for Usher syndrome type 1G. Last evaluated: 2017-04-27. Review status: criteria provided, single submitter. Criteria: ICSL Variant Classification Criteria 13 December 2019. Collection method: clinical testing. Allele origin: germline.

NM_173477.5(USH1G):c.635G>C (p.Gly212Ala)

Gene: USH1G (USH1 protein network component sans; minus strand). Cytogenetic location: 17q25.1.
Variant type: single nucleotide variant.
Coding change: c.635G>C on transcript NM_173477.5 (MANE Select); coding-DNA position 635, G replaced by C.
Protein change: p.Gly212Ala; replaces glycine 212 with alanine.
Molecular consequence: missense variant.
Genome position (GRCh38, 1-based): chr17:74,920,201, C>G on the plus strand (G>C on the coding strand, the complement: USH1G is on the minus strand). VCF-style: chr17-74920201-C-G. GRCh37 (hg19) VCF-style: chr17-72916296-C-G.
Other names: c.326G>C, p.Gly109Ala (NM_001282489.3); short protein forms G109A, G212A.
Identifiers: ClinVar variation 850726 (VCV000850726.14), dbSNP rs200197601, ClinGen allele CA8754033.